The following is an entry in ClinVar:

NM_025114.4(CEP290):c.251-1G>C

Gene: CEP290 (centrosomal protein 290; minus strand). Cytogenetic location: 12q21.32.
Variant type: single nucleotide variant.
Coding change: c.251-1G>C on transcript NM_025114.4 (MANE Select); the canonical splice acceptor site of the intron before coding-DNA position 251, G replaced by C.
Molecular consequence: splice acceptor variant.
Genome position (GRCh38, 1-based): chr12:88,139,192, C>G on the plus strand (G>C on the coding strand, the complement: CEP290 is on the minus strand). VCF-style: chr12-88139192-C-G. GRCh37 (hg19) VCF-style: chr12-88532969-C-G.
Identifiers: ClinVar variation 1501221 (VCV001501221.6), dbSNP rs2138259162, ClinGen allele CA385988942.

ClinVar aggregate classification (germline): Likely pathogenic (1 of 4 stars; one submission).

Conditions:
Nephronophthisis. Also called: Juvenile Nephronophthisis. Identifiers: Orphanet 655, MedGen C0687120, MONDO:0019005, HP:0000090.
Meckel-Gruber syndrome. Also called: DYSENCEPHALIA SPLANCHNOCYSTICA; GRUBER SYNDROME; Dysencephalia splachnocystica. Identifiers: Orphanet 564, MedGen C0265215, MONDO:0018921.
Joubert syndrome. Also called: CEREBELLOPARENCHYMAL DISORDER IV; JOUBERT-BOLTSHAUSER SYNDROME; Familial aplasia of the vermis. Identifiers: Orphanet 475, MedGen C5979921, MONDO:0018772.

Submission:

Labcorp Genetics (formerly Invitae), Labcorp
Classification: Likely pathogenic for Joubert syndrome; Meckel-Gruber syndrome; Nephronophthisis. Last evaluated: 2021-11-04. Review status: criteria provided, single submitter. Criteria: Invitae Variant Classification Sherloc (09022015). Collection method: clinical testing. Allele origin: germline.
Comment: This sequence change affects an acceptor splice site in intron 4 of the CEP290 gene. It is expected to disrupt RNA splicing. Variants that disrupt the donor or acceptor splice site typically lead to a loss of protein function (PMID: 16199547), and loss-of-function variants in CEP290 are known to be pathogenic (PMID: 16909394, 17345604, 20690115). This variant is not present in population databases (gnomAD no frequency). This variant has not been reported in the literature in individuals affected with CEP290-related conditions. Algorithms developed to predict the effect of sequence changes on RNA splicing suggest that this variant may disrupt the consensus splice site. In summary, the currently available evidence indicates that the variant is pathogenic, but additional data are needed to prove that conclusively. Therefore, this variant has been classified as Likely Pathogenic.

Literature cited by the submitters: PubMed 16199547; PubMed 16909394; PubMed 17345604; PubMed 20690115.